The following is an entry in ClinVar:

ClinVar aggregate classification (germline): Uncertain significance (1 of 4 stars; one submission).

gnomAD v4.1: 7 of 1,614,146 alleles (0.00043%); highest among the groups gnomAD compares: Non-Finnish European, 0.00059%; no homozygotes.

Submission:

Labcorp Genetics (formerly Invitae), Labcorp
Classification: Uncertain significance. Last evaluated: 2024-04-15. Review status: criteria provided, single submitter. Criteria: Invitae Variant Classification Sherloc (09022015). Collection method: clinical testing. Allele origin: germline.
Comment: This sequence change replaces asparagine, which is neutral and polar, with serine, which is neutral and polar, at codon 199 of the NR3C2 protein (p.Asn199Ser). This variant is not present in population databases (gnomAD no frequency). This variant has not been reported in the literature in individuals affected with NR3C2-related conditions. ClinVar contains an entry for this variant (Variation ID: 2090448). Advanced modeling of protein sequence and biophysical properties (such as structural, functional, and spatial information, amino acid conservation, physicochemical variation, residue mobility, and thermodynamic stability) performed at Invitae indicates that this missense variant is not expected to disrupt NR3C2 protein function with a negative predictive value of 80%. In summary, the available evidence is currently insufficient to determine the role of this variant in disease. Therefore, it has been classified as a Variant of Uncertain Significance.

NM_000901.5(NR3C2):c.596A>G (p.Asn199Ser)

Gene: NR3C2 (nuclear receptor subfamily 3 group C member 2; minus strand). Cytogenetic location: 4q31.23.
Variant type: single nucleotide variant.
Coding change: c.596A>G on transcript NM_000901.5 (MANE Select); coding-DNA position 596, A replaced by G.
Protein change: p.Asn199Ser; replaces asparagine 199 with serine.
Molecular consequence: missense variant. On other transcripts: non-coding transcript variant (1).
Genome position (GRCh38, 1-based): chr4:148,436,265, T>C on the plus strand (A>G on the coding strand, the complement: NR3C2 is on the minus strand). VCF-style: chr4-148436265-T-C. GRCh37 (hg19) VCF-style: chr4-149357417-T-C.
Other names: c.596A>G, p.Asn199Ser (NM_001166104.2, NM_001354819.1); short protein forms N199S.
Identifiers: ClinVar variation 2090448 (VCV002090448.4), dbSNP rs1560736749, ClinGen allele CA358248845.